The following is an entry in ClinVar:

ClinVar aggregate classification (germline): Conflicting classifications of pathogenicity. Review status: criteria provided, conflicting classifications (1 of 4 stars). 2 submissions from 2 submitters: Uncertain significance (1); Likely benign (1). Last evaluated 2024-02-26.

Conditions:
Familial adenomatous polyposis 1 (FAP1). Also called: POLYPOSIS, ADENOMATOUS INTESTINAL; FAMILIAL ADENOMATOUS POLYPOSIS 1, ATTENUATED. Identifiers: MedGen C2713442, MONDO:0021056, OMIM 175100. Disease mechanism: loss of function.
Hereditary cancer-predisposing syndrome. Also called: Tumor predisposition; Hereditary Cancer Syndrome; Neoplastic Syndromes, Hereditary; Hereditary neoplastic syndrome. Identifiers: Orphanet 140162, MedGen C0027672, MeSH D009386, MONDO:0015356.

Submissions (2):

Myriad Genetics, Inc.
Classification: Likely benign for Familial adenomatous polyposis 1. Last evaluated: 2024-02-26. Review status: criteria provided, single submitter. Criteria: Myriad Autosomal Dominant, Autosomal Recessive and X-Linked Classification Criteria (2023). Collection method: clinical testing. Allele origin: unknown.
Comment: This variant is considered likely benign. This variant is intronic and is not expected to impact mRNA splicing.

Color Diagnostics, LLC DBA Color Health
Classification: Uncertain significance for Hereditary cancer-predisposing syndrome. Last evaluated: 2021-04-13. Review status: criteria provided, single submitter. Criteria: ACMG Guidelines, 2015. Collection method: clinical testing. Allele origin: germline.
Comment: This variant causes a T to C nucleotide substitution at the -13 position of intron 7 of the APC gene. To our knowledge, functional studies have not been reported for this variant. This variant has not been reported in individuals affected with hereditary cancer in the literature. This variant has not been identified in the general population by the Genome Aggregation Database (gnomAD). The available evidence is insufficient to determine the role of this variant in disease conclusively. Therefore, this variant is classified as a Variant of Uncertain Significance.

NM_000038.6(APC):c.730-13T>C

Gene: APC (APC regulator of Wnt signaling pathway; plus strand). Cytogenetic location: 5q22.2.
Variant type: single nucleotide variant.
Coding change: c.730-13T>C on transcript NM_000038.6 (MANE Select); 13 bases into the intron before coding-DNA position 730, T replaced by C.
Molecular consequence: intron variant.
Genome position (GRCh38, 1-based): chr5:112,801,266, T>C. VCF-style: chr5-112801266-T-C. GRCh37 (hg19) VCF-style: chr5-112136963-T-C.
Other names: c.730-13T>C (NM_001354895.2, NM_001127510.3, NM_001354896.2 and 1 more transcripts); c.760-13T>C (NM_001354897.2, NM_001354902.2); c.676-13T>C (NM_001127511.3); c.655-13T>C (NM_001354898.2, NM_001354904.2); c.-306-13T>C (NM_001354906.2); c.646-13T>C (NM_001354899.2); c.553-13T>C (NM_001354900.2, NM_001354901.2, NM_001354905.2).
Identifiers: ClinVar variation 1332638 (VCV001332638.3), dbSNP rs2149711198, ClinGen allele CA2573052384.